The following is an entry in ClinVar:

NM_024642.5(GALNT12):c.117G>T (p.Ala39=)

Gene: GALNT12 (polypeptide N-acetylgalactosaminyltransferase 12; plus strand). Cytogenetic location: 9q22.33.
Variant type: single nucleotide variant.
Coding change: c.117G>T on transcript NM_024642.5 (MANE Select); coding-DNA position 117, G replaced by T.
Protein change: p.Ala39=; no amino-acid change (alanine 39 retained).
Molecular consequence: synonymous variant.
Genome position (GRCh38, 1-based): chr9:98,807,815, G>T. VCF-style: chr9-98807815-G-T. GRCh37 (hg19) VCF-style: chr9-101570097-G-T.
Identifiers: ClinVar variation 4876192 (VCV004876192.1).

ClinVar aggregate classification (germline): Benign (1 of 4 stars; one submission).

Conditions:
Colorectal cancer, susceptibility to, 1. Also called: COLORECTAL ADENOMA AND CANCER, SUSCEPTIBILITY TO; COLORECTAL CANCER, SUSCEPTIBILITY TO, ON CHROMOSOME 9. Identifiers: MedGen C1837315, MONDO:0012132, OMIM 608812.

Submission:

Myriad Genetics, Inc.
Classification: Benign for Colorectal cancer, susceptibility to, 1. Last evaluated: 2026-04-22. Review status: criteria provided, single submitter. Criteria: Myriad Autosomal Dominant, Autosomal Recessive and X-Linked Classification Criteria (2023). Collection method: clinical testing. Allele origin: unknown.
Comment: This variant is considered benign. This variant is a silent/synonymous amino acid change and it is not expected to impact splicing.